The following is an entry in ClinVar:

ClinVar aggregate classification (germline): Benign. Review status: criteria provided, multiple submitters, no conflicts (2 of 4 stars). 2 submissions from 2 submitters: Benign (2). Last evaluated 2019-12-31.

Conditions:
Gaze palsy, familial horizontal, with progressive scoliosis 1 (HGPPS1). Identifiers: Orphanet 2744, MedGen C4551964, MONDO:0020790, OMIM 607313.

Allele frequency attached by ClinVar (database versions not stated): 1000 Genomes Project 0.00579; TOPMed 0.00757; 1000 Genomes Project 30x 0.00500.
gnomAD v4.1: 2,104 of 1,611,628 alleles (0.13%); highest among the groups gnomAD compares: African/African-American, 2.5%; 23 homozygotes.

Submissions (2):

Labcorp Genetics (formerly Invitae), Labcorp
Classification: Benign. Last evaluated: 2019-12-31. Review status: criteria provided, single submitter. Criteria: Invitae Variant Classification Sherloc (09022015). Collection method: clinical testing. Allele origin: germline.

Illumina Laboratory Services, Illumina
Classification: Benign for Gaze palsy, familial horizontal, with progressive scoliosis 1. Last evaluated: 2018-01-13. Review status: criteria provided, single submitter. Criteria: ICSL Variant Classification Criteria 13 December 2019. Collection method: clinical testing. Allele origin: germline.
Comment: This variant was observed in the ICSL laboratory as part of a predisposition screen in an ostensibly healthy population. It had not been previously curated by ICSL or reported in the Human Gene Mutation Database (HGMD: prior to June 1st, 2018), and was therefore a candidate for classification through an automated scoring system. Utilizing variant allele frequency, disease prevalence and penetrance estimates, and inheritance mode, an automated score was calculated to assess if this variant is too frequent to cause the disease. Based on the score and internal cut-off values, a variant classified as benign is not then subjected to further curation. The score for this variant resulted in a classification of benign for this disease.

NM_022370.4(ROBO3):c.2328G>A (p.Ala776=)

Gene: ROBO3 (roundabout guidance receptor 3; plus strand). Cytogenetic location: 11q24.2.
Variant type: single nucleotide variant.
Coding change: c.2328G>A on transcript NM_022370.4 (MANE Select); coding-DNA position 2328, G replaced by A.
Protein change: p.Ala776=; no amino-acid change (alanine 776 retained).
Molecular consequence: synonymous variant.
Genome position (GRCh38, 1-based): chr11:124,875,592, G>A. VCF-style: chr11-124875592-G-A. GRCh37 (hg19) VCF-style: chr11-124745488-G-A.
Identifiers: ClinVar variation 303252 (VCV000303252.9), dbSNP rs200052922, ClinGen allele CA6343760.